The following is an entry in ClinVar:

ClinVar aggregate classification (germline): Uncertain significance. Review status: criteria provided, multiple submitters, no conflicts (2 of 4 stars). 2 submissions from 2 submitters: Uncertain significance (2). Last evaluated 2024-06-03.

Conditions:
Shwachman-Diamond syndrome 2. Identifiers: MedGen C4693704, MONDO:0044205, OMIM 617941.

Allele frequency attached by ClinVar (database versions not stated): gnomAD exomes below 0.00001; ExAC 0.00001; gnomAD 0.00001; TOPMed 0.00002.
gnomAD v4.1: 5 of 1,613,250 alleles (0.00031%); highest among the groups gnomAD compares: African/African-American, 0.004%; no homozygotes.

Submissions (2):

Labcorp Genetics (formerly Invitae), Labcorp
Classification: Uncertain significance. Last evaluated: 2024-06-03. Review status: criteria provided, single submitter. Criteria: Invitae Variant Classification Sherloc (09022015). Collection method: clinical testing. Allele origin: germline.
Comment: This sequence change replaces leucine, which is neutral and non-polar, with valine, which is neutral and non-polar, at codon 263 of the EFL1 protein (p.Leu263Val). This variant is present in population databases (rs751006899, gnomAD 0.0009%). This variant has not been reported in the literature in individuals affected with EFL1-related conditions. ClinVar contains an entry for this variant (Variation ID: 1424546). Advanced modeling of protein sequence and biophysical properties (such as structural, functional, and spatial information, amino acid conservation, physicochemical variation, residue mobility, and thermodynamic stability) performed at Invitae indicates that this missense variant is expected to disrupt EFL1 protein function with a positive predictive value of 80%. In summary, the available evidence is currently insufficient to determine the role of this variant in disease. Therefore, it has been classified as a Variant of Uncertain Significance.

Victorian Clinical Genetics Services, Murdoch Childrens Research Institute
Classification: Uncertain significance for Shwachman-Diamond syndrome 2. Last evaluated: 2020-05-21. Review status: criteria provided, single submitter. Criteria: ACMG Guidelines, 2015. Collection method: clinical testing. Allele origin: germline. Inheritance: Autosomal recessive inheritance.
Comment: A heterozygous missense variant was identified, NM_024580.5(EFL1):c.787C>G in exon 8 of 20 of the EFL1gene (NB: This variant is non-coding in one alternative transcript). This substitution is predicted to create a minor amino acid change from leucine to valine at position 263 of the protein, NP_078856.4(EFL1): p.(Leu263Val). The leucine at this position has very high conservation (100 vertebrates, UCSC), and is located within the elongation factor Tu GTP binding domain. In silico software predicts this variant to be damaging (Polyphen, SIFT, CADD, Mutation Taster). The variant is not present in the gnomAD population database. The variant has not been previously reported in clinical cases. Based on information available at the time of curation, this variant has been classified as a VARIANT of UNCERTAIN SIGNIFICANCE (VUS).

NM_024580.6(EFL1):c.787C>G (p.Leu263Val)

Gene: EFL1 (elongation factor like GTPase 1; minus strand). Cytogenetic location: 15q25.2.
Variant type: single nucleotide variant.
Coding change: c.787C>G on transcript NM_024580.6 (MANE Select); coding-DNA position 787, C replaced by G.
Protein change: p.Leu263Val; replaces leucine 263 with valine.
Molecular consequence: missense variant. On other transcripts: 5 prime UTR variant (1), non-coding transcript variant (1).
Genome position (GRCh38, 1-based): chr15:82,230,916, G>C on the plus strand (C>G on the coding strand, the complement: EFL1 is on the minus strand). VCF-style: chr15-82230916-G-C. GRCh37 (hg19) VCF-style: chr15-82523257-G-C.
Other names: c.634C>G, p.Leu212Val (NM_001040610.3); c.-3C>G (NM_001322844.2); c.787C>G, p.Leu263Val (NM_001322845.2); short protein forms L212V, L263V.
Identifiers: ClinVar variation 1424546 (VCV001424546.9), dbSNP rs751006899, ClinGen allele CA7698191.